The following is an entry in ClinVar:

NM_020812.4(DOCK6):c.1833G>A (p.Lys611=)

Gene: DOCK6 (dedicator of cytokinesis 6; minus strand). Cytogenetic location: 19p13.2.
Variant type: single nucleotide variant.
Coding change: c.1833G>A on transcript NM_020812.4 (MANE Select); coding-DNA position 1833, G replaced by A.
Protein change: p.Lys611=; no amino-acid change (lysine 611 retained).
Molecular consequence: synonymous variant.
Genome position (GRCh38, 1-based): chr19:11,237,779, C>T on the plus strand (G>A on the coding strand, the complement: DOCK6 is on the minus strand). VCF-style: chr19-11237779-C-T. GRCh37 (hg19) VCF-style: chr19-11348455-C-T.
Other names: c.1833G>A, p.Lys611= (NM_001367830.1).
Identifiers: ClinVar variation 3613864 (VCV003613864.2).

ClinVar aggregate classification (germline): Uncertain significance (1 of 4 stars; one submission).

gnomAD v4.1: 28 of 1,565,248 alleles (0.0018%); highest among the groups gnomAD compares: Non-Finnish European, 0.0021%; no homozygotes.

Submission:

Labcorp Genetics (formerly Invitae), Labcorp
Classification: Uncertain significance. Last evaluated: 2025-12-01. Review status: criteria provided, single submitter. Criteria: Invitae Variant Classification Sherloc (09022015). Collection method: clinical testing. Allele origin: germline.
Comment: This sequence change affects codon 611 of the DOCK6 mRNA. It is a 'silent' change, meaning that it does not change the encoded amino acid sequence of the DOCK6 protein. It affects a nucleotide within the consensus splice site. The frequency data for this variant in the population databases is considered unreliable, as metrics indicate poor data quality at this position in the gnomAD database. This variant has not been reported in the literature in individuals affected with DOCK6-related conditions. ClinVar contains an entry for this variant (Variation ID: 3613864). Algorithms developed to predict the effect of sequence changes on RNA splicing suggest that this variant may disrupt the consensus splice site. In summary, the available evidence is currently insufficient to determine the role of this variant in disease. Therefore, it has been classified as a Variant of Uncertain Significance.